The following is an entry in ClinVar:

NM_000629.3(IFNAR1):c.77-22T>G

Gene: IFNAR1 (interferon alpha and beta receptor subunit 1; plus strand). Cytogenetic location: 21q22.11.
Variant type: single nucleotide variant.
Coding change: c.77-22T>G on transcript NM_000629.3 (MANE Select); 22 bases into the intron before coding-DNA position 77, T replaced by G.
Molecular consequence: intron variant.
Genome position (GRCh38, 1-based): chr21:33,335,502, T>G. VCF-style: chr21-33335502-T-G. GRCh37 (hg19) VCF-style: chr21-34707808-T-G.
Other names: c.-131-22T>G (NM_001384504.1); c.-710-22T>G (NM_001384500.1); c.77-22T>G (NM_001384498.1, NM_001384503.1, NM_001384499.1 and 1 more transcripts); c.-307-22T>G (NM_001384502.1).
Identifiers: ClinVar variation 2688073 (VCV002688073.2), dbSNP rs2243592, ClinGen allele CA10006379.

ClinVar aggregate classification (germline): Benign (1 of 4 stars; one submission).

Allele frequency attached by ClinVar (database versions not stated): 1000 Genomes Project 30x 0.36056; 1000 Genomes Project 0.36282; ESP Exome Variant Server 0.37237; TOPMed 0.37817; gnomAD 0.37998; ExAC 0.42747.
gnomAD v4.1: 560,122 of 1,444,442 alleles (39%); highest among the groups gnomAD compares: Middle Eastern, 44%; 109,974 homozygotes.

Submission:

Unidad de Genómica Garrahan, Hospital de Pediatría Garrahan
Classification: Benign. Last evaluated: 2024-01-24. Review status: criteria provided, single submitter. Criteria: ACMG Guidelines, 2015. Collection method: clinical testing. Allele origin: germline. Affected: no. Observed: 57 variant alleles.
Comment: This variant is classified as Benign based on local population frequency. This variant was detected in 60% of patients studied by a panel of primary immunodeficiencies. Number of patients: 57. Only high quality variants are reported.